The following is an entry in ClinVar:

ClinVar aggregate classification (germline): Likely benign. Review status: criteria provided, multiple submitters, no conflicts (2 of 4 stars). 2 submissions from 2 submitters: Likely benign (2). Last evaluated 2025-05-17.

Conditions:
Hereditary cancer-predisposing syndrome. Also called: Hereditary Cancer Syndrome; Neoplastic Syndromes, Hereditary; Tumor predisposition; Hereditary neoplastic syndrome. Identifiers: Orphanet 140162, MedGen C0027672, MeSH D009386, MONDO:0015356.

Allele frequency attached by ClinVar (database versions not stated): gnomAD exomes below 0.00001.
gnomAD v4.1: 1 of 1,613,834 alleles (0.000062%); highest among the groups gnomAD compares: Non-Finnish European, 0.000085%; no homozygotes.

Submissions (2):

Ambry Genetics
Classification: Likely benign for Hereditary cancer-predisposing syndrome. Last evaluated: 2025-05-17. Review status: criteria provided, single submitter. Criteria: Ambry Variant Classification Scheme 2023. Collection method: clinical testing. Allele origin: germline.

GeneDx
Classification: Likely benign. Last evaluated: 2018-01-31. Review status: criteria provided, single submitter. Criteria: GeneDx Variant Classification (06012015). Collection method: clinical testing. Allele origin: germline. Affected: yes.
Comment: This variant is considered likely benign or benign based on one or more of the following criteria: it is a conservative change, it occurs at a poorly conserved position in the protein, it is predicted to be benign by multiple in silico algorithms, and/or has population frequency not consistent with disease.

NM_006231.4(POLE):c.6630G>A (p.Lys2210=)

Gene: POLE (DNA polymerase epsilon, catalytic subunit; minus strand). Cytogenetic location: 12q24.33.
Variant type: single nucleotide variant.
Coding change: c.6630G>A on transcript NM_006231.4 (MANE Select); coding-DNA position 6630, G replaced by A.
Protein change: p.Lys2210=; no amino-acid change (lysine 2210 retained).
Molecular consequence: synonymous variant.
Genome position (GRCh38, 1-based): chr12:132,625,672, C>T on the plus strand (G>A on the coding strand, the complement: POLE is on the minus strand). VCF-style: chr12-132625672-C-T. GRCh37 (hg19) VCF-style: chr12-133202258-C-T.
Identifiers: ClinVar variation 515288 (VCV000515288.2), dbSNP rs1555301066, ClinGen allele CA482725123.